The following is an entry in ClinVar:

NM_004963.4(GUCY2C):c.1535G>A (p.Arg512Gln)

Gene: GUCY2C (guanylate cyclase 2C; minus strand). Cytogenetic location: 12p12.3.
Variant type: single nucleotide variant.
Coding change: c.1535G>A on transcript NM_004963.4 (MANE Select); coding-DNA position 1535, G replaced by A.
Protein change: p.Arg512Gln; replaces arginine 512 with glutamine.
Molecular consequence: missense variant.
Genome position (GRCh38, 1-based): chr12:14,652,029, C>T on the plus strand (G>A on the coding strand, the complement: GUCY2C is on the minus strand). VCF-style: chr12-14652029-C-T. GRCh37 (hg19) VCF-style: chr12-14804963-C-T.
Other names: short protein forms R512Q.
Identifiers: ClinVar variation 3605950 (VCV003605950.2).

ClinVar aggregate classification (germline): Uncertain significance (1 of 4 stars; one submission).

gnomAD v4.1: 13 of 1,584,464 alleles (0.00082%); highest among the groups gnomAD compares: Middle Eastern, 0.017%; no homozygotes.

Submission:

Labcorp Genetics (formerly Invitae), Labcorp
Classification: Uncertain significance. Last evaluated: 2025-01-07. Review status: criteria provided, single submitter. Criteria: Invitae Variant Classification Sherloc (09022015). Collection method: clinical testing. Allele origin: germline.
Comment: This sequence change replaces arginine, which is basic and polar, with glutamine, which is neutral and polar, at codon 512 of the GUCY2C protein (p.Arg512Gln). This variant is present in population databases (rs777253417, gnomAD 0.003%). This variant has not been reported in the literature in individuals affected with GUCY2C-related conditions. An algorithm developed to predict the effect of missense changes on protein structure and function (PolyPhen-2) suggests that this variant is likely to be tolerated. In summary, the available evidence is currently insufficient to determine the role of this variant in disease. Therefore, it has been classified as a Variant of Uncertain Significance.